The following is an entry in ClinVar:

ClinVar aggregate classification (germline): Uncertain significance. Review status: criteria provided, single submitter (1 of 4 stars). 2 submissions from 2 submitters: Uncertain significance (1). 1 of the submissions does not count toward it. Last evaluated 2023-12-04.

Allele frequency attached by ClinVar (database versions not stated): ExAC 0.00003; gnomAD 0.00003 and 0.00004; gnomAD exomes 0.00003 and 0.00005; ESP Exome Variant Server 0.00008; TOPMed 0.00008.

Submissions (2):

Labcorp Genetics (formerly Invitae), Labcorp
Classification: Uncertain significance. Last evaluated: 2023-12-04. Review status: criteria provided, single submitter. Criteria: Invitae Variant Classification Sherloc (09022015). Collection method: clinical testing. Allele origin: germline.
Comment: This sequence change creates a premature translational stop signal (p.Cys4267Serfs*3) in the FAT2 gene. While this is not anticipated to result in nonsense mediated decay, it is expected to disrupt the last 83 amino acid(s) of the FAT2 protein. This variant is present in population databases (rs750656516, gnomAD 0.008%). This variant has not been reported in the literature in individuals affected with FAT2-related conditions. ClinVar contains an entry for this variant (Variation ID: 1050031). Experimental studies and prediction algorithms are not available or were not evaluated, and the functional significance of this variant is currently unknown. In summary, the available evidence is currently insufficient to determine the role of this variant in disease. Therefore, it has been classified as a Variant of Uncertain Significance.

Department of Pathology and Laboratory Medicine, Sinai Health System
Classification: Uncertain significance. Review status: no assertion criteria provided. Collection method: clinical testing. Allele origin: unknown. Affected: yes. Study: The Canadian Open Genetics Repository (COGR). Not counted in ClinVar's aggregate classification.
Comment: The FAT2 p.Cys4267Serfs*3 variant was not identified in the literature nor was it identified in ClinVar and LOVD 3.0. The variant was identified in dbSNP (ID: rs750656516), Cosmic (no FATHMM prediction score) and was also found in control databases in 9 of 245282 chromosomes at a frequency of 0.000037 (Genome Aggregation Database Feb 27, 2017). The variant was observed in the following populations: East Asian in 1 of 17224 chromosomes (freq: 0.000058), European (Non-Finnish) in 7 of 111196 chromosomes (freq: 0.000063) and South Asian in 1 of 30728 chromosomes (freq: 0.000033), while the variant was not observed in the African, Ashkenazi Jewish, European (Finnish), Latino and Other populations. The c.12798_12799del variant is predicted to cause a frameshift, which alters the protein's amino acid sequence beginning at codon 4267 and leads to a premature stop codon 3 codons downstream. This alteration is then predicted to result in a truncated or absent protein and loss of function. Loss of function variants of the FAT2 gene have not been shown to be an established mechanism of the disease Spinocerebellar ataxia, type 45. In summary, based on the above information the clinical significance of this variant cannot be determined with certainty at this time. This variant is classified as a variant of uncertain significance.

NM_001447.3(FAT2):c.12798_12799del (p.Cys4267fs)

Genes: FAT2 (FAT atypical cadherin 2; minus strand), SLC36A1 (solute carrier family 36 member 1; plus strand). Cytogenetic location: 5q33.1.
Variant type: Deletion.
Coding change: c.12798_12799del on transcript NM_001447.3 (MANE Select); coding-DNA positions 12798 to 12799, 2 bases deleted (CT; older notation c.12798_12799delCT).
Protein change: p.Cys4267fs; shifts the reading frame from cysteine 4267.
Molecular consequence: frameshift variant.
Genome position (GRCh38, 1-based): chr5:151,505,816-151,505,817, AG deleted on the plus strand (CT on the coding strand, the reverse complement: FAT2 is on the minus strand). VCF-style (leftmost placement, unchanged base first): chr5-151505815-CAG-C. GRCh37 (hg19) VCF-style: chr5-150885376-CAG-C.
Other names: short protein forms C4267fs.
Identifiers: ClinVar variation 1050031 (VCV001050031.6), dbSNP rs750656516, ClinGen allele CA3519675.